The following is an entry in ClinVar:

NM_001142800.2(EYS):c.737del (p.Pro246fs)

Gene: EYS (EGF-like photoreceptor maintenance factor; minus strand). Cytogenetic location: 6q12.
Variant type: Deletion.
Coding change: c.737del on transcript NM_001142800.2 (MANE Select); coding-DNA position 737, one base deleted (C; older notation c.737delC).
Protein change: p.Pro246fs; shifts the reading frame from proline 246.
Molecular consequence: frameshift variant.
Genome position (GRCh38, 1-based): chr6:65,494,674, G deleted on the plus strand (C on the coding strand, the reverse complement: EYS is on the minus strand); the first of 3 consecutive G bases (chr6:65,494,674-65,494,676); deleting any one gives the same sequence. VCF-style (leftmost placement, unchanged base first): chr6-65494673-TG-T. GRCh37 (hg19) VCF-style: chr6-66204566-TG-T.
Other names: c.737del, p.Pro246fs (NM_001142801.2, NM_001292009.2, NM_198283.2); short protein forms P246fs.
Identifiers: ClinVar variation 1454683 (VCV001454683.6), dbSNP rs2127270768, ClinGen allele CA2573141044.
Genomic context (GRCh38, chr6:65,494,673, plus strand): 5'-GCACTGTGTTTCTCTATTTTAATAAAATTATATATTTTAAACAATCTTACCTGTAAATGG[TG>T]GGTGACAGACACATTCATATGCTTGCTCATCCCAATTTTCTCTTTTATTAATGCAACTGC-3'

ClinVar aggregate classification (germline): Pathogenic (1 of 4 stars; one submission).

Submission:

Labcorp Genetics (formerly Invitae), Labcorp
Classification: Pathogenic. Last evaluated: 2021-11-08. Review status: criteria provided, single submitter. Criteria: Invitae Variant Classification Sherloc (09022015). Collection method: clinical testing. Allele origin: germline.
Comment: This variant is not present in population databases (gnomAD no frequency). This sequence change creates a premature translational stop signal (p.Pro246Hisfs*11) in the EYS gene. It is expected to result in an absent or disrupted protein product. Loss-of-function variants in EYS are known to be pathogenic (PMID: 18836446, 20333770). This variant has not been reported in the literature in individuals affected with EYS-related conditions. For these reasons, this variant has been classified as Pathogenic.

Literature cited by the submitters: PubMed 18836446; PubMed 20333770.